The following is an entry in ClinVar:

NM_002439.5(MSH3):c.344dup (p.Met115fs)

Gene: MSH3 (mutS homolog 3; plus strand). Cytogenetic location: 5q14.1.
Variant type: Duplication.
Coding change: c.344dup on transcript NM_002439.5 (MANE Select); coding-DNA position 344, one base duplicated (T; older notation c.344dupT).
Protein change: p.Met115fs; shifts the reading frame from methionine 115.
Molecular consequence: frameshift variant.
Genome position (GRCh38, 1-based): chr5:80,656,517, T duplicated. VCF-style (leftmost placement, unchanged base first): chr5-80656516-A-AT. GRCh37 (hg19) VCF-style: chr5-79952335-A-AT.
Other names: short protein forms M115fs.
Identifiers: ClinVar variation 3222297 (VCV003222297.1), dbSNP rs2546712297, ClinGen allele CA2825001434.

ClinVar aggregate classification (germline): Pathogenic (1 of 4 stars; one submission).

Conditions:
Hereditary cancer-predisposing syndrome. Also called: Tumor predisposition; Hereditary neoplastic syndrome; Hereditary Cancer Syndrome; Neoplastic Syndromes, Hereditary. Identifiers: Orphanet 140162, MedGen C0027672, MeSH D009386, MONDO:0015356.

Submission:

Ambry Genetics
Classification: Pathogenic for Hereditary cancer-predisposing syndrome. Last evaluated: 2024-01-17. Review status: criteria provided, single submitter. Criteria: Ambry Variant Classification Scheme 2023. Collection method: clinical testing. Allele origin: germline.
Comment: The c.344dupT pathogenic mutation, located in coding exon 2 of the MSH3 gene, results from a duplication of T at nucleotide position 344, causing a translational frameshift with a predicted alternate stop codon (p.M115Ifs*6). This alteration is expected to result in loss of function by premature protein truncation or nonsense-mediated mRNA decay. As such, this alteration is interpreted as a disease-causing mutation.